The following is an entry in ClinVar:

ClinVar aggregate classification (germline): Uncertain significance (1 of 4 stars; one submission).

Submission:

GeneDx
Classification: Uncertain significance. Last evaluated: 2022-03-10. Review status: criteria provided, single submitter. Criteria: GeneDx Variant Classification Process June 2021. Collection method: clinical testing. Allele origin: germline. Affected: yes.
Comment: Not observed at significant frequency in large population cohorts (gnomAD); In silico analysis supports that this missense variant has a deleterious effect on protein structure/function; Has not been previously published as pathogenic or benign to our knowledge

NM_001077350.3(NPRL3):c.1118C>T (p.Ser373Phe)

Genes: HBA-LCR (alpha-globin locus control region; plus strand), NPRL3 (NPR3 like, GATOR1 complex subunit; minus strand). Cytogenetic location: 16p13.3.
Variant type: single nucleotide variant.
Coding change: c.1118C>T on transcript NM_001077350.3 (MANE Select); coding-DNA position 1118, C replaced by T.
Protein change: p.Ser373Phe; replaces serine 373 with phenylalanine.
Molecular consequence: missense variant.
Genome position (GRCh38, 1-based): chr16:92,639, G>A on the plus strand (C>T on the coding strand, the complement: NPRL3 is on the minus strand). VCF-style: chr16-92639-G-A. GRCh37 (hg19) VCF-style: chr16-142637-G-A.
Other names: c.581C>T, p.Ser194Phe (NM_001039476.3); c.884C>T, p.Ser295Phe (NM_001243247.2); c.1043C>T, p.Ser348Phe (NM_001243248.2, NM_001243249.2); short protein forms S194F, S295F, S348F, S373F.
Identifiers: ClinVar variation 1704744 (VCV001704744.2), dbSNP rs1898809527, ClinGen allele CA394052960.